The following is an entry in ClinVar:

ClinVar aggregate classification (germline): Pathogenic (1 of 4 stars; one submission).

Conditions:
Galactosylceramide beta-galactosidase deficiency. Also called: Leukodystrophy, Globoid Cell; Krabbe Disease; GALACTOCEREBROSIDASE DEFICIENCY; GALC DEFICIENCY; GLOBOID CELL LEUKOENCEPHALOPATHY. Identifiers: Orphanet 487, MedGen C0023521, MONDO:0009499, OMIM 245200.

Submission:

Labcorp Genetics (formerly Invitae), Labcorp
Classification: Pathogenic for Galactosylceramide beta-galactosidase deficiency. Last evaluated: 2021-08-12. Review status: criteria provided, single submitter. Criteria: Invitae Variant Classification Sherloc (09022015). Collection method: clinical testing. Allele origin: germline.
Comment: This variant is a gross deletion of the genomic region encompassing exon(s) 8 of the GALC gene. This variant would be expected to be in-frame, preserving the integrity of the reading frame. A similar copy number variant has been observed in individuals with Krabbe disease (PMID: 22704718, 26795590). This variant disrupts the p.Gly286Asp amino acid residue in GALC. Other variant(s) that disrupt this residue have been determined to be pathogenic (PMID: 9272171, 10477434, 24252386, 26865610). This suggests that this residue is clinically significant, and that variants that disrupt this residue are likely to be disease-causing. For these reasons, this variant has been classified as Pathogenic.

Literature cited by the submitters: PubMed 22704718; PubMed 26795590; PubMed 9272171; PubMed 10477434; PubMed 24252386; PubMed 26865610.

NC_000014.8:g.(?_88434669)_(88434844_?)del

Gene: GALC (galactosylceramidase; minus strand). Cytogenetic location: 14q31.3.
Variant type: Deletion.
Identifiers: ClinVar variation 2422481 (VCV002422481.7).